The following is an entry in ClinVar:

ClinVar aggregate classification (germline): Pathogenic. Review status: criteria provided, multiple submitters, no conflicts (2 of 4 stars). 2 submissions from 2 submitters: Pathogenic (2). Last evaluated 2024-05-30.

Conditions:
Familial thoracic aortic aneurysm and aortic dissection (TAAD). Also called: Thoracic aortic aneurysms and dissections. Identifiers: Orphanet 91387, MedGen C4707243, MONDO:0019625.
Marfan syndrome (MFS). Also called: FBN1-Related Marfan Syndrome; Marfan syndrome type 1; Marfan's syndrome; Marfan syndrome, classic; MARFAN SYNDROME, TYPE I. Identifiers: Orphanet 284963, Orphanet 558, MedGen C0024796, MONDO:0007947, OMIM 154700.
Weill-Marchesani syndrome 2, dominant. Also called: Weill-Marchesani Syndrome, Autosomal Dominant; FBN1-Related Weill-Marchesani Syndrome. Identifiers: Orphanet 2084, MedGen C1869115, MONDO:0012013, OMIM 608328.
Progeroid and marfanoid aspect-lipodystrophy syndrome. Also called: Marfan lipodystrophy syndrome; MARFANOID-PROGEROID SYNDROME; MARFAN-PROGEROID-LIPODYSTROPHY SYNDROME; MARFANOID-PROGEROID-LIPODYSTROPHY SYNDROME. Identifiers: Orphanet 300382, MedGen C4310796, MONDO:0014831, OMIM 616914.
Stiff skin syndrome (SSKS). Identifiers: Orphanet 2833, MedGen C1861456, MONDO:0008492, OMIM 184900.
Acromicric dysplasia (ACMICD). Also called: Acromicric skeletal dysplasia. Identifiers: Orphanet 969, MedGen C0265287, MONDO:0007055, OMIM 102370.
Geleophysic dysplasia 2 (GPHYSD2). Identifiers: Orphanet 2623, MedGen C3280054, MONDO:0013612, OMIM 614185.
Ectopia lentis 1, isolated, autosomal dominant (ECTOL1). Identifiers: Orphanet 1885, MedGen C3541518, MONDO:0007514, OMIM 129600.
MASS syndrome (OCTD). Also called: MASS PHENOTYPE; OVERLAP CONNECTIVE TISSUE DISEASE. Identifiers: MedGen C1858556, MONDO:0011431, OMIM 604308.

Submissions (2):

Fulgent Genetics
Classification: Pathogenic for Acromicric dysplasia; Ectopia lentis 1, isolated, autosomal dominant; Marfan syndrome; Stiff skin syndrome; MASS syndrome; Weill-Marchesani syndrome 2, dominant; Geleophysic dysplasia 2; Progeroid and marfanoid aspect-lipodystrophy syndrome. Last evaluated: 2024-05-30. Review status: criteria provided, single submitter. Criteria: ACMG Guidelines, 2015. Collection method: clinical testing. Allele origin: germline.

Labcorp Genetics (formerly Invitae), Labcorp
Classification: Pathogenic for Marfan syndrome; Familial thoracic aortic aneurysm and aortic dissection. Last evaluated: 2024-05-04. Review status: criteria provided, single submitter. Criteria: Invitae Variant Classification Sherloc (09022015). Collection method: clinical testing. Allele origin: germline.
Comment: This sequence change replaces cysteine, which is neutral and slightly polar, with tyrosine, which is neutral and polar, at codon 1860 of the FBN1 protein (p.Cys1860Tyr). This variant is not present in population databases (gnomAD no frequency). This missense change has been observed in individuals with Marfan syndrome (PMID: 18435798, 27906200). ClinVar contains an entry for this variant (Variation ID: 645309). Advanced modeling of protein sequence and biophysical properties (such as structural, functional, and spatial information, amino acid conservation, physicochemical variation, residue mobility, and thermodynamic stability) performed at Invitae indicates that this missense variant is expected to disrupt FBN1 protein function with a positive predictive value of 95%. This variant affects a cysteine residue in the EGF-like, TGFBP or hybrid motif domains of FBN1. Cysteine residues are believed to be involved in intramolecular disulfide bridges and have been shown to be important for FBN1 protein structure (PMID: 16905551, 19349279). In addition, missense substitutions affecting cysteine residues within these domains are significantly overrepresented among patients with Marfan syndrome (PMID: 16571647, 17701892). This variant disrupts the p.Cys1860 amino acid residue in FBN1. Other variant(s) that disrupt this residue have been observed in individuals with FBN1-related conditions (PMID: 18435798, 19293843, 27906200, 28855619), which suggests that this may be a clinically significant amino acid residue. For these reasons, this variant has been classified as Pathogenic.

Literature cited by the submitters: PubMed 18435798 (cited by Labcorp Genetics (formerly Invitae), Labcorp); PubMed 27906200 (cited by Labcorp Genetics (formerly Invitae), Labcorp); PubMed 16905551 (cited by Labcorp Genetics (formerly Invitae), Labcorp); PubMed 19349279 (cited by Labcorp Genetics (formerly Invitae), Labcorp); PubMed 16571647 (cited by Labcorp Genetics (formerly Invitae), Labcorp); PubMed 17701892 (cited by Labcorp Genetics (formerly Invitae), Labcorp); PubMed 19293843 (cited by Labcorp Genetics (formerly Invitae), Labcorp); PubMed 28855619 (cited by Labcorp Genetics (formerly Invitae), Labcorp).

NM_000138.5(FBN1):c.5579G>A (p.Cys1860Tyr)

Gene: FBN1 (fibrillin 1; minus strand). Cytogenetic location: 15q21.1.
Variant type: single nucleotide variant.
Coding change: c.5579G>A on transcript NM_000138.5 (MANE Select); coding-DNA position 5579, G replaced by A.
Protein change: p.Cys1860Tyr; replaces cysteine 1860 with tyrosine.
Molecular consequence: missense variant.
Genome position (GRCh38, 1-based): chr15:48,448,860, C>T on the plus strand (G>A on the coding strand, the complement: FBN1 is on the minus strand). VCF-style: chr15-48448860-C-T. GRCh37 (hg19) VCF-style: chr15-48741057-C-T.
Other names: short protein forms C1860Y.
Identifiers: ClinVar variation 645309 (VCV000645309.9), dbSNP rs1597535300, ClinGen allele CA392342277.